The following is an entry in ClinVar:

NM_133368.3(RSPRY1):c.202G>A (p.Val68Ile)

Gene: RSPRY1 (ring finger and SPRY domain containing 1; plus strand). Cytogenetic location: 16q13.
Variant type: single nucleotide variant.
Coding change: c.202G>A on transcript NM_133368.3 (MANE Select); coding-DNA position 202, G replaced by A.
Protein change: p.Val68Ile; replaces valine 68 with isoleucine.
Molecular consequence: missense variant.
Genome position (GRCh38, 1-based): chr16:57,204,860, G>A. VCF-style: chr16-57204860-G-A. GRCh37 (hg19) VCF-style: chr16-57238772-G-A.
Other names: c.202G>A, p.Val68Ile (NM_001305163.2, NM_001305164.2, NM_001305182.2); short protein forms V68I.
Identifiers: ClinVar variation 1462406 (VCV001462406.8), dbSNP rs2074694347, ClinGen allele CA396009467.

ClinVar aggregate classification (germline): Uncertain significance (1 of 4 stars; one submission).

Allele frequency attached by ClinVar (database versions not stated): TOPMed below 0.00001.

Submission:

Labcorp Genetics (formerly Invitae), Labcorp
Classification: Uncertain significance. Last evaluated: 2024-07-29. Review status: criteria provided, single submitter. Criteria: Invitae Variant Classification Sherloc (09022015). Collection method: clinical testing. Allele origin: germline.
Comment: This sequence change replaces valine, which is neutral and non-polar, with isoleucine, which is neutral and non-polar, at codon 68 of the RSPRY1 protein (p.Val68Ile). This variant is not present in population databases (gnomAD no frequency). This variant has not been reported in the literature in individuals affected with RSPRY1-related conditions. ClinVar contains an entry for this variant (Variation ID: 1462406). Advanced modeling of protein sequence and biophysical properties (such as structural, functional, and spatial information, amino acid conservation, physicochemical variation, residue mobility, and thermodynamic stability) performed at Invitae indicates that this missense variant is not expected to disrupt RSPRY1 protein function with a negative predictive value of 80%. In summary, the available evidence is currently insufficient to determine the role of this variant in disease. Therefore, it has been classified as a Variant of Uncertain Significance.